The following is an entry in ClinVar:

NM_172107.4(KCNQ2):c.343A>C (p.Ile115Leu)

Gene: KCNQ2 (potassium voltage-gated channel subfamily Q member 2; minus strand). Cytogenetic location: 20q13.33.
Variant type: single nucleotide variant.
Coding change: c.343A>C on transcript NM_172107.4 (MANE Select); coding-DNA position 343, A replaced by C.
Protein change: p.Ile115Leu; replaces isoleucine 115 with leucine.
Molecular consequence: missense variant.
Genome position (GRCh38, 1-based): chr20:63,446,791, T>G on the plus strand (A>C on the coding strand, the complement: KCNQ2 is on the minus strand). VCF-style: chr20-63446791-T-G. GRCh37 (hg19) VCF-style: chr20-62078144-T-G.
Other names: c.343A>C, p.Ile115Leu (NM_001382235.1, NM_004518.6, NM_172106.3 and 2 more transcripts); c.343A>C (NM_172107.2); short protein forms I115L.
Identifiers: ClinVar variation 2573139 (VCV002573139.4), dbSNP rs752331818, ClinGen allele CA9958853.
Genomic context (GRCh38, chr20:63,446,791, plus strand): 5'-CTCCCTCGGGGCTCACCAGGATGTAGAGGGCCCCCTCCGAGCTCTTCTCATACTCCTTGA[T>G]GGTGGAAAACACAGACAGCACGAGGCAGGAGAAAACCAGGAGGAACCTGGGGGCAGGGAA-3'
Protein context (NP_742105.1, residues 105-125): SCLVLSVFST[Ile115Leu]KEYEKSSEGA

ClinVar aggregate classification (germline): Uncertain significance. Review status: criteria provided, multiple submitters, no conflicts (2 of 4 stars). 2 submissions from 2 submitters: Uncertain significance (2). Last evaluated 2024-01-19.

Allele frequency attached by ClinVar (database versions not stated): gnomAD exomes 0.00001; ExAC 0.00003.
gnomAD v4.1: 4 of 1,613,458 alleles (0.00025%); highest among the groups gnomAD compares: Non-Finnish European, 0.00034%; no homozygotes.

Submissions (3):

GeneDx
Classification: Uncertain significance. Last evaluated: 2024-01-19. Review status: criteria provided, single submitter. Criteria: GeneDx Variant Classification Process June 2021. Collection method: clinical testing. Allele origin: germline. Affected: yes.
Comment: Missense variants in this gene are a common cause of disease and they are underrepresented in the general population; In silico analysis supports that this missense variant does not alter protein structure/function; This substitution is predicted to be within the extracellular loop between the S1 and S2 transmembrane segments; Has not been previously published as pathogenic or benign to our knowledge; This variant is associated with the following publications: (PMID: 35104249)

Clinical Genetics Laboratory, Skane University Hospital Lund
Classification: Uncertain significance. Last evaluated: 2023-09-28. Review status: criteria provided, single submitter. Criteria: ACMG Guidelines, 2015. Collection method: clinical testing. Allele origin: germline. Affected: yes.

Channelopathy-Associated Epilepsy Research Center
No classification provided (evidence only). Condition: Complex neurodevelopmental disorder. Review status: no classification provided. Collection method: literature only. Allele origin: not applicable. Functional consequence: Mild decrease in peak current, Mild slowing of activation, Normal voltage dependence of activation. Not counted in ClinVar's aggregate classification.
ClinVar note: "not provided" was previously submitted as the classification for the variant. However, the classification appeared to be based only on an observation of functional data so it was converted to no classification on 2025-07-30.

Literature cited by the submitters: PubMed 35104249 (cited by Channelopathy-Associated Epilepsy Research Center).